The following is an entry in ClinVar:

ClinVar aggregate classification (germline): Uncertain significance (1 of 4 stars; one submission).

Conditions:
Combined immunodeficiency due to STIM1 deficiency. Also called: STIM1 DEFICIENCY; IMMUNODEFICIENCY 10. Identifiers: Orphanet 169090, Orphanet 317430, MedGen C2748557, MONDO:0013008, OMIM 612783.
Stormorken syndrome (STRMK). Also called: THROMBOCYTOPATHY, ASPLENIA, AND MIOSIS. Identifiers: Orphanet 3204, MedGen C1861451, MONDO:0008497, OMIM 185070.
Myopathy with tubular aggregates (TAM). Also called: Tubular Aggregate Myopathy. Identifiers: Orphanet 2593, MedGen C0410207, MONDO:0008051.

Submission:

Labcorp Genetics (formerly Invitae), Labcorp
Classification: Uncertain significance for Myopathy with tubular aggregates; Combined immunodeficiency due to STIM1 deficiency; Stormorken syndrome. Last evaluated: 2022-08-22. Review status: criteria provided, single submitter. Criteria: Invitae Variant Classification Sherloc (09022015). Collection method: clinical testing. Allele origin: germline.
Comment: In summary, the available evidence is currently insufficient to determine the role of this variant in disease. Therefore, it has been classified as a Variant of Uncertain Significance. This sequence change replaces valine, which is neutral and non-polar, with leucine, which is neutral and non-polar, at codon 117 of the STIM1 protein (p.Val117Leu). This variant is not present in population databases (gnomAD no frequency). This variant has not been reported in the literature in individuals affected with STIM1-related conditions. Algorithms developed to predict the effect of missense changes on protein structure and function are either unavailable or do not agree on the potential impact of this missense change (SIFT: "Deleterious"; PolyPhen-2: "Benign"; Align-GVGD: "Class C25").

NM_001382567.1(STIM1):c.349G>T (p.Val117Leu)

Gene: STIM1 (stromal interaction molecule 1; plus strand). Cytogenetic location: 11p15.4.
Variant type: single nucleotide variant.
Coding change: c.349G>T on transcript NM_001382567.1 (MANE Select); coding-DNA position 349, G replaced by T.
Protein change: p.Val117Leu; replaces valine 117 with leucine.
Molecular consequence: missense variant. On other transcripts: 5 prime UTR variant (3), non-coding transcript variant (3).
Genome position (GRCh38, 1-based): chr11:4,023,951, G>T. VCF-style: chr11-4023951-G-T. GRCh37 (hg19) VCF-style: chr11-4045181-G-T.
Other names: c.349G>T, p.Val117Leu (NM_001277961.3, NM_001277962.2, NM_001382568.1 and 3 more transcripts); c.127G>T, p.Val43Leu (NM_001382566.1, NM_001382573.1, NM_001382574.1 and 5 more transcripts); c.214G>T, p.Val72Leu (NM_001382569.1); c.-20G>T (NM_001382571.1); c.-141G>T (NM_001382580.1, NM_001382581.1); short protein forms V43L, V72L, V117L.
Identifiers: ClinVar variation 1923889 (VCV001923889.5), dbSNP rs759378488, ClinGen allele CA379485333.